The following is an entry in ClinVar:

NM_004629.2(FANCG):c.1553T>C (p.Ile518Thr)

Gene: FANCG (FA complementation group G; minus strand). Cytogenetic location: 9p13.3.
Variant type: single nucleotide variant.
Coding change: c.1553T>C on transcript NM_004629.2 (MANE Select); coding-DNA position 1553, T replaced by C.
Protein change: p.Ile518Thr; replaces isoleucine 518 with threonine.
Molecular consequence: missense variant.
Genome position (GRCh38, 1-based): chr9:35,075,010, A>G on the plus strand (T>C on the coding strand, the complement: FANCG is on the minus strand). VCF-style: chr9-35075010-A-G. GRCh37 (hg19) VCF-style: chr9-35075007-A-G.
Other names: short protein forms I518T.
Identifiers: ClinVar variation 4841414 (VCV004841414.1).

ClinVar aggregate classification (germline): Uncertain significance (1 of 4 stars; one submission).

Conditions:
Inborn genetic diseases. Identifiers: MedGen C0950123, MeSH D030342.

Submission:

Ambry Genetics
Classification: Uncertain significance for Inborn genetic diseases. Last evaluated: 2026-01-14. Review status: criteria provided, single submitter. Criteria: Ambry Variant Classification Scheme 2023. Collection method: clinical testing. Allele origin: germline.
Comment: The p.I518T variant (also known as c.1553T>C), located in coding exon 12 of the FANCG gene, results from a T to C substitution at nucleotide position 1553. The isoleucine at codon 518 is replaced by threonine, an amino acid with similar properties. This amino acid position is conserved. In addition, the in silico prediction for this alteration is inconclusive. Based on the available evidence, the clinical significance of this variant remains unclear.